The following is an entry in ClinVar:

NM_004260.4(RECQL4):c.554C>A (p.Ser185Tyr)

Gene: RECQL4 (RecQ like helicase 4; minus strand). Cytogenetic location: 8q24.3.
Variant type: single nucleotide variant.
Coding change: c.554C>A on transcript NM_004260.4 (MANE Select); coding-DNA position 554, C replaced by A.
Protein change: p.Ser185Tyr; replaces serine 185 with tyrosine.
Molecular consequence: missense variant. On other transcripts: 5 prime UTR variant (15), non-coding transcript variant (3), intron variant (3).
Genome position (GRCh38, 1-based): chr8:144,516,565, G>T on the plus strand (C>A on the coding strand, the complement: RECQL4 is on the minus strand). VCF-style: chr8-144516565-G-T. GRCh37 (hg19) VCF-style: chr8-145741949-G-T.
Other names: c.554C>A, p.Ser185Tyr (NM_001413017.1, NM_001413018.1, NM_001413019.1 and 4 more transcripts); c.-518C>A (NM_001413022.1, NM_001413023.1, NM_001413024.1 and 5 more transcripts); c.425C>A, p.Ser142Tyr (NM_001413025.1); c.-580C>A (NM_001413027.1, NM_001413030.1, NM_001413031.1 and 2 more transcripts); c.-422C>A (NM_001413034.1); c.-787C>A (NM_001413043.1); c.355-152C>A (NM_001413029.1); c.-366-152C>A (NM_001413021.1); and 1 more; short protein forms S142Y, S185Y.
Identifiers: ClinVar variation 2804111 (VCV002804111.3), dbSNP rs751922746, ClinGen allele CA372691050.

ClinVar aggregate classification (germline): Uncertain significance (1 of 4 stars; one submission).

Conditions:
Baller-Gerold syndrome (BGS). Also called: CRANIOSYNOSTOSIS WITH RADIAL DEFECTS. Identifiers: Orphanet 1225, MedGen C0265308, MONDO:0009039, OMIM 218600.

Submission:

Labcorp Genetics (formerly Invitae), Labcorp
Classification: Uncertain significance for Baller-Gerold syndrome. Last evaluated: 2022-12-09. Review status: criteria provided, single submitter. Criteria: Invitae Variant Classification Sherloc (09022015). Collection method: clinical testing. Allele origin: germline.
Comment: In summary, the available evidence is currently insufficient to determine the role of this variant in disease. Therefore, it has been classified as a Variant of Uncertain Significance. Advanced modeling of protein sequence and biophysical properties (such as structural, functional, and spatial information, amino acid conservation, physicochemical variation, residue mobility, and thermodynamic stability) performed at Invitae indicates that this missense variant is expected to disrupt RECQL4 protein function. This variant has not been reported in the literature in individuals affected with RECQL4-related conditions. This variant is not present in population databases (gnomAD no frequency). This sequence change replaces serine, which is neutral and polar, with tyrosine, which is neutral and polar, at codon 185 of the RECQL4 protein (p.Ser185Tyr).